The following is an entry in ClinVar:

ClinVar aggregate classification (germline): Benign. Review status: criteria provided, single submitter (1 of 4 stars). 2 submissions from 2 submitters: Benign (1). 1 of the submissions does not count toward it. Last evaluated 2026-01-20.

Conditions:
IARS1-related disorder. Also called: IARS1-related condition.

Allele frequency attached by ClinVar (database versions not stated): gnomAD exomes 0.00028; ESP Exome Variant Server 0.00031; gnomAD 0.00032; TOPMed 0.00032; ExAC 0.00039; 1000 Genomes Project 30x 0.00062; 1000 Genomes Project 0.00080.
gnomAD v4.1: 452 of 1,500,542 alleles (0.03%); highest among the groups gnomAD compares: Middle Eastern, 0.086%; no homozygotes.

Submissions (2):

Labcorp Genetics (formerly Invitae), Labcorp
Classification: Benign. Last evaluated: 2026-01-20. Review status: criteria provided, single submitter. Criteria: Invitae Variant Classification Sherloc (09022015). Collection method: clinical testing. Allele origin: germline.

PreventionGenetics, part of Exact Sciences
Classification: Likely benign for IARS1-related condition. Last evaluated: 2019-07-30. Review status: no assertion criteria provided. Collection method: clinical testing. Allele origin: germline. Not counted in ClinVar's aggregate classification.
Comment: This variant is classified as likely benign based on ACMG/AMP sequence variant interpretation guidelines (Richards et al. 2015 PMID: 25741868, with internal and published modifications).

NM_002161.6(IARS1):c.10C>A (p.Gln4Lys)

Gene: IARS1 (isoleucyl-tRNA synthetase 1; minus strand). Cytogenetic location: 9q22.31.
Variant type: single nucleotide variant.
Coding change: c.10C>A on transcript NM_002161.6 (MANE Select); coding-DNA position 10, C replaced by A.
Protein change: p.Gln4Lys; replaces glutamine 4 with lysine.
Molecular consequence: missense variant. On other transcripts: non-coding transcript variant (1).
Genome position (GRCh38, 1-based): chr9:92,289,410, G>T on the plus strand (C>A on the coding strand, the complement: IARS1 is on the minus strand). VCF-style: chr9-92289410-G-T. GRCh37 (hg19) VCF-style: chr9-95051692-G-T.
Other names: c.10C>A (NM_002161.5); c.10C>A, p.Gln4Lys (NM_001374299.1, NM_001374300.1, NM_001374301.1 and 17 more transcripts); short protein forms Q4K.
Identifiers: ClinVar variation 2055426 (VCV002055426.6), dbSNP rs147022743, ClinGen allele CA5123092.
Genomic context (GRCh38, chr9:92,289,410, plus strand): 5'-CAGTCCAAAACTCCAAGATTTTCTCTTCTTCAGCAGGAAAATTTATGTTTTCTGGAACTT[G>T]TTGAAGCATTTTGTTGCTGCAAAAGAAATCAAATTTATTACTGTCAAAAGAGAAATCTAG-3'
Protein context (NP_002152.2, residues 1-14): MLQ[Gln4Lys]VPENINFPAE